The following is an entry in ClinVar:

NM_005223.4(DNASE1):c.439G>A (p.Val147Ile)

Gene: DNASE1 (deoxyribonuclease 1; plus strand). Cytogenetic location: 16p13.3.
Variant type: single nucleotide variant.
Coding change: c.439G>A on transcript NM_005223.4 (MANE Select); coding-DNA position 439, G replaced by A.
Protein change: p.Val147Ile; replaces valine 147 with isoleucine.
Molecular consequence: missense variant. On other transcripts: non-coding transcript variant (2).
Genome position (GRCh38, 1-based): chr16:3,657,001, G>A. VCF-style: chr16-3657001-G-A. GRCh37 (hg19) VCF-style: chr16-3707002-G-A.
Other names: c.439G>A, p.Val147Ile (NM_001351825.2, NM_001387135.1, NM_001387140.1); c.508G>A, p.Val170Ile (NM_001387139.1); c.232G>A, p.Val78Ile (NM_001387141.1); c.439G>A (NM_005223.3); short protein forms V147I, V170I, V78I.
Identifiers: ClinVar variation 2646121 (VCV002646121.25), dbSNP rs1455872989, ClinGen allele CA394560900.

ClinVar aggregate classification (germline): Conflicting classifications of pathogenicity. Review status: criteria provided, conflicting classifications (1 of 4 stars). 2 submissions from 2 submitters: Uncertain significance (1); Likely benign (1). Last evaluated 2025-08-27.

Allele frequency attached by ClinVar (database versions not stated): gnomAD 0.00001; gnomAD exomes 0.00002.
gnomAD v4.1: 37 of 1,613,480 alleles (0.0023%); highest among the groups gnomAD compares: Non-Finnish European, 0.003%; no homozygotes.

Submissions (2):

Ambry Genetics
Classification: Uncertain significance. Last evaluated: 2025-08-27. Review status: criteria provided, single submitter. Criteria: Ambry Variant Classification Scheme 2023. Collection method: clinical testing. Allele origin: germline.

CeGaT Center for Human Genetics Tuebingen
Classification: Likely benign. Last evaluated: 2022-03-01. Review status: criteria provided, single submitter. Criteria: CeGaT Center For Human Genetics Tuebingen Variant Classification Criteria Version 2. Collection method: clinical testing. Allele origin: germline. Affected: yes. Observed: 1 variant allele.
Comment: DNASE1: BP4